The following is an entry in ClinVar:

ClinVar aggregate classification (germline): Uncertain significance. Review status: criteria provided, multiple submitters, no conflicts (2 of 4 stars). 2 submissions from 2 submitters: Uncertain significance (2). Last evaluated 2024-08-05.

Conditions:
Inborn genetic diseases. Identifiers: MedGen C0950123, MeSH D030342.
Amelocerebrohypohidrotic syndrome (KTZS). Also called: EPILEPSY AND YELLOW TEETH; EPILEPSY, DEMENTIA, AND AMELOGENESIS IMPERFECTA; KOHLSCHUTTER SYNDROME; Kohlschutter's syndrome. Identifiers: Orphanet 1946, MedGen C0406740, MONDO:0009185, OMIM 226750.

Allele frequency attached by ClinVar (database versions not stated): gnomAD exomes 0.00001; TOPMed 0.00001; ExAC 0.00002; gnomAD 0.00002.

Submissions (2):

Labcorp Genetics (formerly Invitae), Labcorp
Classification: Uncertain significance for Amelocerebrohypohidrotic syndrome. Last evaluated: 2024-08-05. Review status: criteria provided, single submitter. Criteria: Invitae Variant Classification Sherloc (09022015). Collection method: clinical testing. Allele origin: germline.
Comment: This sequence change replaces valine, which is neutral and non-polar, with isoleucine, which is neutral and non-polar, at codon 263 of the ROGDI protein (p.Val263Ile). This variant is present in population databases (rs768480593, gnomAD 0.002%). This variant has not been reported in the literature in individuals affected with ROGDI-related conditions. ClinVar contains an entry for this variant (Variation ID: 656425). An algorithm developed to predict the effect of missense changes on protein structure and function (PolyPhen-2) suggests that this variant is likely to be tolerated. In summary, the available evidence is currently insufficient to determine the role of this variant in disease. Therefore, it has been classified as a Variant of Uncertain Significance.

Ambry Genetics
Classification: Uncertain significance for Inborn genetic diseases. Last evaluated: 2021-08-13. Review status: criteria provided, single submitter. Criteria: Ambry Variant Classification Scheme 2023. Collection method: clinical testing. Allele origin: germline.

NM_024589.3(ROGDI):c.787G>A (p.Val263Ile)

Gene: ROGDI (rogdi atypical leucine zipper; minus strand). Cytogenetic location: 16p13.3.
Variant type: single nucleotide variant.
Coding change: c.787G>A on transcript NM_024589.3 (MANE Select); coding-DNA position 787, G replaced by A.
Protein change: p.Val263Ile; replaces valine 263 with isoleucine.
Molecular consequence: missense variant. On other transcripts: non-coding transcript variant (1).
Genome position (GRCh38, 1-based): chr16:4,797,749, C>T on the plus strand (G>A on the coding strand, the complement: ROGDI is on the minus strand). VCF-style: chr16-4797749-C-T. GRCh37 (hg19) VCF-style: chr16-4847750-C-T.
Other names: c.787G>A (NM_024589.1); short protein forms V263I.
Identifiers: ClinVar variation 656425 (VCV000656425.9), dbSNP rs768480593, ClinGen allele CA7882482.